The following is an entry in ClinVar:

NM_006245.4(PPP2R5D):c.184A>G (p.Ser62Gly)

Gene: PPP2R5D (protein phosphatase 2 regulatory subunit B'delta; plus strand). Cytogenetic location: 6p21.1.
Variant type: single nucleotide variant.
Coding change: c.184A>G on transcript NM_006245.4 (MANE Select); coding-DNA position 184, A replaced by G.
Protein change: p.Ser62Gly; replaces serine 62 with glycine.
Molecular consequence: missense variant. On other transcripts: 5 prime UTR variant (1), intron variant (1).
Genome position (GRCh38, 1-based): chr6:43,006,541, A>G. VCF-style: chr6-43006541-A-G. GRCh37 (hg19) VCF-style: chr6-42974279-A-G.
Other names: c.-270A>G (NM_001270476.2); c.184A>G, p.Ser62Gly (NM_180976.3); c.28-393A>G (NM_180977.3); short protein forms S62G.
Identifiers: ClinVar variation 1310758 (VCV001310758.3), dbSNP rs1038667663, ClinGen allele CA364179505.

ClinVar aggregate classification (germline): Uncertain significance (1 of 4 stars; one submission).

Allele frequency attached by ClinVar (database versions not stated): TOPMed below 0.00001.

Submission:

GeneDx
Classification: Uncertain significance. Last evaluated: 2024-12-23. Review status: criteria provided, single submitter. Criteria: GeneDx Variant Classification Process June 2021. Collection method: clinical testing. Allele origin: germline. Affected: yes.
Comment: Not observed at significant frequency in large population cohorts (gnomAD); In silico analysis indicates that this missense variant does not alter protein structure/function; Has not been previously published as pathogenic or benign to our knowledge